The following is an entry in ClinVar:

NM_152384.3(BBS5):c.568C>T (p.His190Tyr)

Gene: BBS5 (Bardet-Biedl syndrome 5; plus strand). Cytogenetic location: 2q31.1.
Variant type: single nucleotide variant.
Coding change: c.568C>T on transcript NM_152384.3 (MANE Select); coding-DNA position 568, C replaced by T.
Protein change: p.His190Tyr; replaces histidine 190 with tyrosine.
Molecular consequence: missense variant.
Genome position (GRCh38, 1-based): chr2:169,493,786, C>T. VCF-style: chr2-169493786-C-T. GRCh37 (hg19) VCF-style: chr2-170350296-C-T.
Other names: short protein forms H190Y.
Identifiers: ClinVar variation 1501349 (VCV001501349.8), dbSNP rs1264901746, ClinGen allele CA349165027.
Genomic context (GRCh38, chr2:169,493,786, plus strand): 5'-TACTGTTTTTTACAGGGCAATTTAGGAACCTTTTTTATTACCAATGTGAGAATTGTGTGG[C>T]ATGCAAATATGAATGATAGTTTTAATGTCAGTATACCATATCTGCAAATTGTAAGTACAT-3'
Protein context (NP_689597.1, residues 180-200): FFITNVRIVW[His190Tyr]ANMNDSFNVS

ClinVar aggregate classification (germline): Uncertain significance (1 of 4 stars; one submission).

Conditions:
Bardet-Biedl syndrome (BBS). Identifiers: Orphanet 110, MedGen C0752166, MONDO:0015229.

Allele frequency attached by ClinVar (database versions not stated): gnomAD exomes below 0.00001 and 0.00001; gnomAD 0.00003.
gnomAD v4.1: 9 of 1,612,840 alleles (0.00056%); highest among the groups gnomAD compares: African/African-American, 0.012%; no homozygotes.

Submission:

Labcorp Genetics (formerly Invitae), Labcorp
Classification: Uncertain significance for Bardet-Biedl syndrome. Last evaluated: 2020-11-16. Review status: criteria provided, single submitter. Criteria: Invitae Variant Classification Sherloc (09022015). Collection method: clinical testing. Allele origin: germline.
Comment: This variant is not present in population databases (ExAC no frequency). This sequence change replaces histidine with tyrosine at codon 190 of the BBS5 protein (p.His190Tyr). The histidine residue is highly conserved and there is a moderate physicochemical difference between histidine and tyrosine. This variant has not been reported in the literature in individuals with BBS5-related conditions. Algorithms developed to predict the effect of missense changes on protein structure and function are either unavailable or do not agree on the potential impact of this missense change (SIFT: "Tolerated"; PolyPhen-2: "Probably Damaging"; Align-GVGD: "Class C0"). Algorithms developed to predict the effect of sequence changes on RNA splicing suggest that this variant may create or strengthen a splice site, but this prediction has not been confirmed by published transcriptional studies. In summary, the available evidence is currently insufficient to determine the role of this variant in disease. Therefore, it has been classified as a Variant of Uncertain Significance.